The following is an entry in ClinVar:

NM_198253.3(TERT):c.1217G>A (p.Gly406Glu)

Gene: TERT (telomerase reverse transcriptase; minus strand). Cytogenetic location: 5p15.33.
Variant type: single nucleotide variant.
Coding change: c.1217G>A on transcript NM_198253.3 (MANE Select); coding-DNA position 1217, G replaced by A.
Protein change: p.Gly406Glu; replaces glycine 406 with glutamic acid.
Molecular consequence: missense variant. On other transcripts: non-coding transcript variant (2).
Genome position (GRCh38, 1-based): chr5:1,293,669, C>T on the plus strand (G>A on the coding strand, the complement: TERT is on the minus strand). VCF-style: chr5-1293669-C-T. GRCh37 (hg19) VCF-style: chr5-1293784-C-T.
Other names: c.1217G>A, p.Gly406Glu (NM_001193376.3, NM_003219.1); short protein forms G406E.
Identifiers: ClinVar variation 3238472 (VCV003238472.2), dbSNP rs2478413025.
Genomic context (GRCh38, chr5:1,293,669, plus strand): 5'-CAGACACCGGCTGCTGGGGTGACCGCAGCTCGCAGCGGGCAGTGCGTCTTGAGGAGCACC[C>T]CGTAGGGGCACTGCGCGTGGTTCCCAAGCAGCTCCAGAAACAGGGGCCGCATTTGCCAGT-3'
Protein context (NP_937983.2, residues 396-416): LLGNHAQCPY[Gly406Glu]VLLKTHCPLR

ClinVar aggregate classification (germline): Uncertain significance. Review status: criteria provided, multiple submitters, no conflicts (2 of 4 stars). 2 submissions from 2 submitters: Uncertain significance (2). Last evaluated 2023-12-05.

Conditions:
Dyskeratosis congenita. Identifiers: Orphanet 1775, MedGen C0265965, MONDO:0015780.

Submissions (2):

Ambry Genetics
Classification: Uncertain significance for Dyskeratosis congenita. Last evaluated: 2023-12-05. Review status: criteria provided, single submitter. Criteria: Ambry Variant Classification Scheme 2023. Collection method: clinical testing. Allele origin: germline.
Comment: The p.G406E variant (also known as c.1217G>A), located in coding exon 2 of the TERT gene, results from a G to A substitution at nucleotide position 1217. The glycine at codon 406 is replaced by glutamic acid, an amino acid with similar properties. This amino acid position is conserved. In addition, the in silico prediction for this alteration is inconclusive. Since supporting evidence is limited at this time, the clinical significance of this alteration remains unclear.

Blueprint Genetics
Classification: Uncertain significance. Last evaluated: 2020-01-27. Review status: criteria provided, single submitter. Criteria: ACMG Guidelines, 2015. Collection method: clinical testing. Allele origin: germline.